The following is an entry in ClinVar:

ClinVar aggregate classification (germline): Uncertain significance (1 of 4 stars; one submission).

Conditions:
Charcot-Marie-Tooth disease type 4. Also called: Charcot-Marie-Tooth disease, type IV; Charcot-Marie-Tooth, Type 4. Identifiers: Orphanet 64749, MedGen C4082197, MONDO:0018995.

Submission:

Labcorp Genetics (formerly Invitae), Labcorp
Classification: Uncertain significance for Charcot-Marie-Tooth disease type 4. Last evaluated: 2020-02-19. Review status: criteria provided, single submitter. Criteria: Invitae Variant Classification Sherloc (09022015). Collection method: clinical testing. Allele origin: germline.
Comment: In summary, the available evidence is currently insufficient to determine the role of this variant in disease. Therefore, it has been classified as a Variant of Uncertain Significance. Algorithms developed to predict the effect of sequence changes on RNA splicing suggest that this variant may disrupt the consensus splice site, but this prediction has not been confirmed by published transcriptional studies. This variant has not been reported in the literature in individuals with SBF2-related conditions. This variant is present in population databases (rs745522461, ExAC 0.002%). This sequence change falls in intron 30 of the SBF2 gene. It does not directly change the encoded amino acid sequence of the SBF2 protein.

NM_030962.4(SBF2):c.4156-15_4156-5del

Genes: SBF2 (SET binding factor 2; minus strand), SBF2-AS1 (SBF2 antisense RNA 1; plus strand). Cytogenetic location: 11p15.4.
Variant type: Deletion.
Coding change: c.4156-15_4156-5del on transcript NM_030962.4 (MANE Select); 15 bases into the intron before coding-DNA position 4156 through 5 bases into the intron before coding-DNA position 4156, 11 bases deleted (CTTCCTGTCTC).
Molecular consequence: intron variant. On other transcripts: non-coding transcript variant (1).
Genome position (GRCh38, 1-based): chr11:9,809,007-9,809,017, GAGACAGGAAG deleted on the plus strand (CTTCCTGTCTC on the coding strand, the reverse complement: SBF2 is on the minus strand); deleting any 11 consecutive bases within chr11:9,809,007-9,809,021 gives the same sequence; the c. name uses the placement nearest the transcript's 3' end. VCF-style (leftmost placement, unchanged base first): chr11-9809006-AGAGACAGGAAG-A. GRCh37 (hg19) VCF-style: chr11-9830553-AGAGACAGGAAG-A.
Other names: c.4027-15_4027-5del (NM_001386342.1); c.4252-15_4252-5del (NM_001386339.1).
Identifiers: ClinVar variation 1053986 (VCV001053986.10), dbSNP rs745522461, ClinGen allele CA5881035.